The following is an entry in ClinVar:

ClinVar aggregate classification (germline): Likely benign. Review status: criteria provided, multiple submitters, no conflicts (2 of 4 stars). 2 submissions from 2 submitters: Likely benign (2). Last evaluated 2023-04-07.

Allele frequency attached by ClinVar (database versions not stated): gnomAD exomes 0.00006 and 0.00007; ExAC 0.00009; gnomAD 0.00010; TOPMed 0.00011.
gnomAD v4.1: 112 of 1,609,512 alleles (0.007%); highest among the groups gnomAD compares: Middle Eastern, 0.033%; no homozygotes.

Submissions (2):

Labcorp Genetics (formerly Invitae), Labcorp
Classification: Likely benign. Last evaluated: 2023-04-07. Review status: criteria provided, single submitter. Criteria: Invitae Variant Classification Sherloc (09022015). Collection method: clinical testing. Allele origin: germline.

Laboratory for Molecular Medicine, Mass General Brigham Personalized Medicine
Classification: Likely benign. Last evaluated: 2015-08-18. Review status: criteria provided, single submitter. Criteria: LMM Criteria. Collection method: clinical testing. Allele origin: germline. Observed: 1 variant allele.
Comment: p.Asp2285Asp in exon 58 of OTOGL: This variant is not expected to have clinical significance because it does not alter an amino acid residue and is not located within the splice consensus sequence. It has been identified in 5/51156 European chromosomes by the Exome Aggregation Consortium (ExAC).

NM_001378609.3(OTOGL):c.6882C>T (p.Asp2294=)

Gene: OTOGL (otogelin like; plus strand). Cytogenetic location: 12q21.31.
Variant type: single nucleotide variant.
Coding change: c.6882C>T on transcript NM_001378609.3 (MANE Select); coding-DNA position 6882, C replaced by T.
Protein change: p.Asp2294=; no amino-acid change (aspartic acid 2294 retained).
Molecular consequence: synonymous variant.
Genome position (GRCh38, 1-based): chr12:80,377,868, C>T. VCF-style: chr12-80377868-C-T. GRCh37 (hg19) VCF-style: chr12-80771648-C-T.
Other names: c.6747C>T, p.Asp2249= (NM_001368062.3); c.6882C>T, p.Asp2294= (NM_001378610.3, NM_173591.7).
Identifiers: ClinVar variation 227826 (VCV000227826.8), dbSNP rs751285103, ClinGen allele CA6702191.